The following is an entry in ClinVar:

ClinVar aggregate classification (germline): Likely pathogenic (1 of 4 stars; one submission).

Conditions:
Mucopolysaccharidosis, MPS-II (MPS2). Also called: Hunter Syndrome; IDURONATE 2-SULFATASE DEFICIENCY; Mucopolysaccharidosis Type II; Mucopolysaccharidosis type 2; Attenuated MPS (subtype; formerly known as mild MPS II); Severe MPS II. Identifiers: Orphanet 580, Orphanet 79388, MedGen C0026705, MONDO:0010674, OMIM 309900.

Submissions (2):

Laboratory of Diagnosis and Therapy of Lysosomal Disorders, University of Padova
Classification: Likely pathogenic for Mucopolysaccharidosis, MPS-II. Last evaluated: 2024-06-07. Review status: criteria provided, single submitter. Criteria: ACMG Guidelines, 2015. Collection method: literature only. Allele origin: germline. Affected: yes. Observed: 3 variant alleles.
Comment: Absent from controls (or at low frequency) in gnomAD database (PM2_Moderate), Missense variant in a gene with a low rate of benign missense variation (PP2_Supporting), Patient’s phenotype or family history highly specific for the disease (PP4_Strong)

Classification method: ACMG Guidelines [PMID:25741868] with modifications

Dr. Peter K. Rogan Lab, Western University
No classification provided (evidence only). Condition: Thyroid cancer, nonmedullary, 1. Review status: no classification provided. Collection method: in vitro. Allele origin: not applicable. Functional consequence: retained intron. Not counted in ClinVar's aggregate classification.

Literature cited by the submitters: PubMed 25681085 (cited by Laboratory of Diagnosis and Therapy of Lysosomal Disorders, University of Padova); PubMed 22286622 (cited by Laboratory of Diagnosis and Therapy of Lysosomal Disorders, University of Padova); PubMed 32775211 (cited by Laboratory of Diagnosis and Therapy of Lysosomal Disorders, University of Padova).

NM_000202.8(IDS):c.708G>C (p.Lys236Asn)

Genes: IDS (iduronate 2-sulfatase; minus strand), LOC106050102 (IDS recombination region; plus strand). Cytogenetic location: Xq28.
Variant type: single nucleotide variant.
Coding change: c.708G>C on transcript NM_000202.8 (MANE Select); coding-DNA position 708, G replaced by C.
Protein change: p.Lys236Asn; replaces lysine 236 with asparagine.
Molecular consequence: missense variant. On other transcripts: non-coding transcript variant (1).
Genome position (GRCh38, 1-based): chrX:149,498,107, C>G on the plus strand (G>C on the coding strand, the complement: IDS is on the minus strand). VCF-style: chrX-149498107-C-G. GRCh37 (hg19) VCF-style: chrX-148579638-C-G.
Other names: NC_000023.10:g.148579638C>G; c.438G>C, p.Lys146Asn (NM_001166550.4); c.708G>C, p.Lys236Asn (NM_006123.5); short protein forms K146N, K236N.
Identifiers: ClinVar variation 3255813 (VCV003255813.3).